The following is an entry in ClinVar:

NM_001374828.1(ARID1B):c.6585C>T (p.Pro2195=)

Gene: ARID1B (AT-rich interaction domain 1B; plus strand). Cytogenetic location: 6q25.3.
Variant type: single nucleotide variant.
Coding change: c.6585C>T on transcript NM_001374828.1 (MANE Select); coding-DNA position 6585, C replaced by T.
Protein change: p.Pro2195=; no amino-acid change (proline 2195 retained).
Molecular consequence: synonymous variant.
Genome position (GRCh38, 1-based): chr6:157,207,357, C>T. VCF-style: chr6-157207357-C-T. GRCh37 (hg19) VCF-style: chr6-157528491-C-T.
Other names: c.4086C>T, p.Pro1362= (NM_001363725.2); c.6465C>T, p.Pro2155= (NM_001371656.1, NM_001374820.1); c.6714C>T, p.Pro2238= (NM_001438482.1); c.6627C>T, p.Pro2209= (NM_001438483.1); c.6495C>T, p.Pro2165= (NM_001438485.1); c.6468C>T, p.Pro2156= (NM_001438486.1); c.6405C>T, p.Pro2135= (NM_001438487.1); c.3927C>T, p.Pro1309= (NM_001438488.1); and 1 more.
Identifiers: ClinVar variation 4681953 (VCV004681953.5).

ClinVar aggregate classification (germline): Uncertain significance (1 of 4 stars; one submission).

gnomAD v4.1: 1 of 1,614,176 alleles (0.000062%); highest among the groups gnomAD compares: African/African-American, 0.0013%; no homozygotes.

Submission:

CeGaT Center for Human Genetics Tuebingen
Classification: Uncertain significance. Last evaluated: 2025-12-01. Review status: criteria provided, single submitter. Criteria: CeGaT Center For Human Genetics Tuebingen Variant Classification Criteria Version 2. Collection method: clinical testing. Allele origin: germline. Affected: yes. Observed: 1 variant allele.
Comment: ARID1B: PM2:Supporting, BP4